The following is an entry in ClinVar:

NM_001846.4(COL4A2):c.2770T>C (p.Ser924Pro)

Gene: COL4A2 (collagen type IV alpha 2 chain; plus strand). Cytogenetic location: 13q34.
Variant type: single nucleotide variant.
Coding change: c.2770T>C on transcript NM_001846.4 (MANE Select); coding-DNA position 2770, T replaced by C.
Protein change: p.Ser924Pro; replaces serine 924 with proline.
Molecular consequence: missense variant.
Genome position (GRCh38, 1-based): chr13:110,482,527, T>C. VCF-style: chr13-110482527-T-C. GRCh37 (hg19) VCF-style: chr13-111134874-T-C.
Other names: short protein forms S924P.
Identifiers: ClinVar variation 1938449 (VCV001938449.5), dbSNP rs761891227, ClinGen allele CA7050004.

ClinVar aggregate classification (germline): Uncertain significance (1 of 4 stars; one submission).

Allele frequency attached by ClinVar (database versions not stated): ExAC 0.00001; gnomAD 0.00001; gnomAD exomes 0.00001; TOPMed 0.00001.
gnomAD v4.1: 11 of 1,614,016 alleles (0.00068%); highest among the groups gnomAD compares: Admixed American, 0.012%; no homozygotes.

Submission:

Labcorp Genetics (formerly Invitae), Labcorp
Classification: Uncertain significance. Last evaluated: 2022-07-18. Review status: criteria provided, single submitter. Criteria: Invitae Variant Classification Sherloc (09022015). Collection method: clinical testing. Allele origin: germline.
Comment: Advanced modeling of protein sequence and biophysical properties (such as structural, functional, and spatial information, amino acid conservation, physicochemical variation, residue mobility, and thermodynamic stability) performed at Invitae indicates that this missense variant is not expected to disrupt COL4A2 protein function. This variant has not been reported in the literature in individuals affected with COL4A2-related conditions. This variant is present in population databases (rs761891227, gnomAD 0.006%). This sequence change replaces serine, which is neutral and polar, with proline, which is neutral and non-polar, at codon 924 of the COL4A2 protein (p.Ser924Pro). In summary, the available evidence is currently insufficient to determine the role of this variant in disease. Therefore, it has been classified as a Variant of Uncertain Significance.